The following is an entry in ClinVar:

NM_004385.5(VCAN):c.10139C>T (p.Thr3380Ile)

Gene: VCAN (versican; plus strand). Cytogenetic location: 5q14.3.
Variant type: single nucleotide variant.
Coding change: c.10139C>T on transcript NM_004385.5 (MANE Select); coding-DNA position 10139, C replaced by T.
Protein change: p.Thr3380Ile; replaces threonine 3380 with isoleucine.
Molecular consequence: missense variant.
Genome position (GRCh38, 1-based): chr5:83,580,382, C>T. VCF-style: chr5-83580382-C-T. GRCh37 (hg19) VCF-style: chr5-82876201-C-T.
Other names: c.1916C>T, p.Thr639Ile (NM_001126336.3); c.7178C>T, p.Thr2393Ile (NM_001164097.2); c.4877C>T, p.Thr1626Ile (NM_001164098.2); short protein forms T2393I, T3380I, T639I, T1626I.
Identifiers: ClinVar variation 1363723 (VCV001363723.6), dbSNP rs144990569, ClinGen allele CA3334172.
Genomic context (GRCh38, chr5:83,580,382, plus strand): 5'-GGACTTATTCTATGAAATACTTTAAAAATTCCTCATCAGCAAAGGACAATTCAATAAATA[C>T]ATCCAAACATGATCATCGTTGGAGCCGGAGGTGGCAGGAGTCGAGGCGCTGATCCCTAAA-3'
Protein context (NP_004376.2, residues 3370-3390): SSSAKDNSIN[Thr3380Ile]SKHDHRWSRR

ClinVar aggregate classification (germline): Uncertain significance (1 of 4 stars; one submission).

Allele frequency attached by ClinVar (database versions not stated): gnomAD exomes below 0.00001 and 0.00001; TOPMed below 0.00001; ExAC 0.00001; gnomAD 0.00001; ESP Exome Variant Server 0.00008.
gnomAD v4.1: 10 of 1,613,814 alleles (0.00062%); highest among the groups gnomAD compares: South Asian, 0.0011%; no homozygotes.

Submission:

Labcorp Genetics (formerly Invitae), Labcorp
Classification: Uncertain significance. Last evaluated: 2022-11-08. Review status: criteria provided, single submitter. Criteria: Invitae Variant Classification Sherloc (09022015). Collection method: clinical testing. Allele origin: germline.
Comment: In summary, the available evidence is currently insufficient to determine the role of this variant in disease. Therefore, it has been classified as a Variant of Uncertain Significance. Algorithms developed to predict the effect of missense changes on protein structure and function are either unavailable or do not agree on the potential impact of this missense change (SIFT: "Deleterious"; PolyPhen-2: "Possibly Damaging"; Align-GVGD: "Class C0"). ClinVar contains an entry for this variant (Variation ID: 1363723). This variant has not been reported in the literature in individuals affected with VCAN-related conditions. This variant is present in population databases (rs144990569, gnomAD 0.002%). This sequence change replaces threonine, which is neutral and polar, with isoleucine, which is neutral and non-polar, at codon 3380 of the VCAN protein (p.Thr3380Ile).